The following is an entry in ClinVar:

NM_016292.3(TRAP1):c.189C>T (p.Thr63=)

Gene: TRAP1 (TNF receptor associated protein 1; minus strand). Cytogenetic location: 16p13.3.
Variant type: single nucleotide variant.
Coding change: c.189C>T on transcript NM_016292.3 (MANE Select); coding-DNA position 189, C replaced by T.
Protein change: p.Thr63=; no amino-acid change (threonine 63 retained).
Molecular consequence: synonymous variant. On other transcripts: intron variant (1).
Genome position (GRCh38, 1-based): chr16:3,690,885, G>A on the plus strand (C>T on the coding strand, the complement: TRAP1 is on the minus strand). VCF-style: chr16-3690885-G-A. GRCh37 (hg19) VCF-style: chr16-3740886-G-A.
Other names: c.89-1748C>T (NM_001272049.2).
Identifiers: ClinVar variation 3032495 (VCV003032495.3), dbSNP rs376485209, ClinGen allele CA7868827.

ClinVar aggregate classification (germline): Likely benign. Review status: criteria provided, single submitter (1 of 4 stars). 2 submissions from 2 submitters: Likely benign (1). 1 of the submissions does not count toward it. Last evaluated 2025-02-13.

Conditions:
TRAP1-related disorder. Also called: TRAP1-related condition.

Allele frequency attached by ClinVar (database versions not stated): gnomAD 0.00001; ExAC 0.00002; ESP Exome Variant Server 0.00008.
gnomAD v4.1: 10 of 1,586,820 alleles (0.00063%); highest among the groups gnomAD compares: South Asian, 0.0023%; no homozygotes.

Submissions (2):

Labcorp Genetics (formerly Invitae), Labcorp
Classification: Likely benign. Last evaluated: 2025-02-13. Review status: criteria provided, single submitter. Criteria: Invitae Variant Classification Sherloc (09022015). Collection method: clinical testing. Allele origin: germline.

PreventionGenetics, part of Exact Sciences
Classification: Likely benign for TRAP1-related condition. Last evaluated: 2023-05-19. Review status: no assertion criteria provided. Collection method: clinical testing. Allele origin: germline. Not counted in ClinVar's aggregate classification.
Comment: This variant is classified as likely benign based on ACMG/AMP sequence variant interpretation guidelines (Richards et al. 2015 PMID: 25741868, with internal and published modifications).